The following is an entry in ClinVar:

ClinVar aggregate classification (germline): Uncertain significance. Review status: criteria provided, multiple submitters, no conflicts (2 of 4 stars). 2 submissions from 2 submitters: Uncertain significance (2). Last evaluated 2023-03-29.

Conditions:
Inborn genetic diseases. Identifiers: MedGen C0950123, MeSH D030342.
Genitourinary and/or brain malformation syndrome (GUBS). Also called: PPP1R12A-Related Urogenital and/or Brain Malformation Syndrome. Identifiers: MedGen C5394158, MONDO:0032934, OMIM 618820.

Submissions (2):

Ambry Genetics
Classification: Uncertain significance for Inborn genetic diseases. Last evaluated: 2023-03-29. Review status: criteria provided, single submitter. Criteria: Ambry Variant Classification Scheme 2023. Collection method: clinical testing. Allele origin: germline.

Juno Genomics, Hangzhou Juno Genomics, Inc
Classification: Uncertain significance for Genitourinary and/or brain malformation syndrome. Review status: criteria provided, single submitter. Criteria: ACMG Guidelines, 2015. Collection method: clinical testing. Allele origin: germline.
Comment: Absent from controls (or at extremely low frequency if recessive) in Genome Aggregation Database.;De novo (both maternity and paternity confirmed) in a patient with the disease and no family history.;Multiple lines of computational evidence support a deleterious effect on the gene or gene product.

NM_002480.3(PPP1R12A):c.176T>A (p.Leu59Gln)

Genes: PPP1R12A (protein phosphatase 1 regulatory subunit 12A; minus strand), LOC112163633 (Sharpr-MPRA regulatory region 5962; plus strand). Cytogenetic location: 12q21.31.
Variant type: single nucleotide variant.
Coding change: c.176T>A on transcript NM_002480.3 (MANE Select); coding-DNA position 176, T replaced by A.
Protein change: p.Leu59Gln; replaces leucine 59 with glutamine.
Molecular consequence: missense variant.
Genome position (GRCh38, 1-based): chr12:79,934,756, A>T on the plus strand (T>A on the coding strand, the complement: PPP1R12A is on the minus strand). VCF-style: chr12-79934756-A-T. GRCh37 (hg19) VCF-style: chr12-80328536-A-T.
Other names: c.176T>A, p.Leu59Gln (NM_001143885.2, NM_001244990.2, NM_001244992.1); short protein forms L59Q.
Identifiers: ClinVar variation 2524365 (VCV002524365.4), dbSNP rs2548108940, ClinGen allele CA385933858.
Genomic context (GRCh38, chr12:79,934,756, plus strand): 5'-TGGTGCAGGGCAGTGAGTCCGTCCACATTGGCGTAATTGATGTCGGCGCCGCGGTGCAGC[A>T]GCTTGAGGACCTCGTCCGTGTCGCCGCTGGAGCAAGCAGCCAGGAAGACGGCGCCATCGT-3'
Protein context (NP_002471.1, residues 49-69): SSGDTDEVLK[Leu59Gln]LHRGADINYA